The following is an entry in ClinVar:

NM_006493.4(CLN5):c.277G>T (p.Glu93Ter)

Gene: CLN5 (CLN5 lysosomal BMP synthase; plus strand). Cytogenetic location: 13q22.3.
Variant type: single nucleotide variant.
Coding change: c.277G>T on transcript NM_006493.4 (MANE Select); coding-DNA position 277, G replaced by T.
Protein change: p.Glu93Ter; replaces glutamic acid 93 with a stop codon.
Molecular consequence: nonsense.
Genome position (GRCh38, 1-based): chr13:76,995,166, G>T. VCF-style: chr13-76995166-G-T. GRCh37 (hg19) VCF-style: chr13-77569301-G-T.
Other names: c.277G>T, p.Glu93Ter (NM_001366624.2); short protein forms E142*, E93*.
Identifiers: ClinVar variation 4734540 (VCV004734540.1).

ClinVar aggregate classification (germline): Pathogenic (1 of 4 stars; one submission).

Conditions:
Neuronal ceroid lipofuscinosis. Also called: Neuronal Ceroid Lipofuscinoses. Identifiers: Orphanet 216, Orphanet 79263, MedGen C0027877, MONDO:0016295. Disease mechanism: loss of function.

Submission:

Labcorp Genetics (formerly Invitae), Labcorp
Classification: Pathogenic for Neuronal ceroid lipofuscinosis. Last evaluated: 2025-12-31. Review status: criteria provided, single submitter. Criteria: Invitae Variant Classification Sherloc (09022015). Collection method: clinical testing. Allele origin: germline.
Comment: This sequence change creates a premature translational stop signal (p.Glu142*) in the CLN5 gene. It is expected to result in an absent or disrupted protein product. Loss-of-function variants in CLN5 are known to be pathogenic (PMID: 20157158). This variant is not present in population databases (gnomAD no frequency). This variant has not been reported in the literature in individuals affected with CLN5-related conditions. For these reasons, this variant has been classified as Pathogenic.

Literature cited by the submitters: PubMed 20157158.